The following is an entry in ClinVar:

NM_015202.5(KATNIP):c.2596C>G (p.His866Asp)

Gene: KATNIP (katanin interacting protein; plus strand). Cytogenetic location: 16p12.1.
Variant type: single nucleotide variant.
Coding change: c.2596C>G on transcript NM_015202.5 (MANE Select); coding-DNA position 2596, C replaced by G.
Protein change: p.His866Asp; replaces histidine 866 with aspartic acid.
Molecular consequence: missense variant.
Genome position (GRCh38, 1-based): chr16:27,740,893, C>G. VCF-style: chr16-27740893-C-G. GRCh37 (hg19) VCF-style: chr16-27752214-C-G.
Other names: c.2596C>G (NM_015202.2); short protein forms H866D.
Identifiers: ClinVar variation 2905570 (VCV002905570.4), dbSNP rs767949818, ClinGen allele CA7977997.
Genomic context (GRCh38, chr16:27,740,893, plus strand): 5'-AACAGAGAGCGCCCTGCTAGTGGGAGGAGGGGCTCAAGGAAGGATGCTGGCAGCAGTAGT[C>G]ATGGGGACGACCAGCCAGCCAGCAGAGGTAAGCTCCAAAGAGCAGCCCGACTTGGGCATC-3'
Protein context (NP_056017.4, residues 856-876): GSRKDAGSSS[His866Asp]GDDQPASRED

ClinVar aggregate classification (germline): Uncertain significance. Review status: criteria provided, multiple submitters, no conflicts (2 of 4 stars). 2 submissions from 2 submitters: Uncertain significance (2). Last evaluated 2024-06-25.

Allele frequency attached by ClinVar (database versions not stated): TOPMed below 0.00001; ExAC 0.00001; gnomAD 0.00001; gnomAD exomes 0.00001.
gnomAD v4.1: 6 of 1,601,936 alleles (0.00037%); highest among the groups gnomAD compares: Admixed American, 0.01%; no homozygotes.

Submissions (2):

Ambry Genetics
Classification: Uncertain significance. Last evaluated: 2024-06-25. Review status: criteria provided, single submitter. Criteria: Ambry Variant Classification Scheme 2023. Collection method: clinical testing. Allele origin: germline.

Labcorp Genetics (formerly Invitae), Labcorp
Classification: Uncertain significance. Last evaluated: 2024-01-09. Review status: criteria provided, single submitter. Criteria: Invitae Variant Classification Sherloc (09022015). Collection method: clinical testing. Allele origin: germline.
Comment: This sequence change replaces histidine, which is basic and polar, with aspartic acid, which is acidic and polar, at codon 866 of the KIAA0556 protein (p.His866Asp). This variant is present in population databases (rs767949818, gnomAD 0.01%). This variant has not been reported in the literature in individuals affected with KIAA0556-related conditions. An algorithm developed to predict the effect of missense changes on protein structure and function (PolyPhen-2) suggests that this variant is likely to be tolerated. In summary, the available evidence is currently insufficient to determine the role of this variant in disease. Therefore, it has been classified as a Variant of Uncertain Significance.